The following is an entry in ClinVar:

ClinVar aggregate classification (germline): Uncertain significance (1 of 4 stars; one submission).

Allele frequency attached by ClinVar (database versions not stated): gnomAD exomes below 0.00001; gnomAD 0.00001; TOPMed 0.00001.
gnomAD v4.1: 7 of 1,613,902 alleles (0.00043%); highest among the groups gnomAD compares: Non-Finnish European, 0.00051%; no homozygotes.

Submission:

Labcorp Genetics (formerly Invitae), Labcorp
Classification: Uncertain significance. Last evaluated: 2022-02-20. Review status: criteria provided, single submitter. Criteria: Invitae Variant Classification Sherloc (09022015). Collection method: clinical testing. Allele origin: germline.
Comment: In summary, the available evidence is currently insufficient to determine the role of this variant in disease. Therefore, it has been classified as a Variant of Uncertain Significance. Algorithms developed to predict the effect of missense changes on protein structure and function (SIFT, PolyPhen-2, Align-GVGD) all suggest that this variant is likely to be disruptive. This variant has not been reported in the literature in individuals affected with IMPG2-related conditions. This variant is not present in population databases (gnomAD no frequency). This sequence change replaces asparagine, which is neutral and polar, with isoleucine, which is neutral and non-polar, at codon 1012 of the IMPG2 protein (p.Asn1012Ile).

NM_016247.4(IMPG2):c.3035A>T (p.Asn1012Ile)

Gene: IMPG2 (interphotoreceptor matrix proteoglycan 2; minus strand). Cytogenetic location: 3q12.3.
Variant type: single nucleotide variant.
Coding change: c.3035A>T on transcript NM_016247.4 (MANE Select); coding-DNA position 3035, A replaced by T.
Protein change: p.Asn1012Ile; replaces asparagine 1012 with isoleucine.
Molecular consequence: missense variant.
Genome position (GRCh38, 1-based): chr3:101,232,979, T>A on the plus strand (A>T on the coding strand, the complement: IMPG2 is on the minus strand). VCF-style: chr3-101232979-T-A. GRCh37 (hg19) VCF-style: chr3-100951823-T-A.
Other names: short protein forms N1012I.
Identifiers: ClinVar variation 2100574 (VCV002100574.4), dbSNP rs948731096, ClinGen allele CA79712732.